The following is an entry in ClinVar:

ClinVar aggregate classification (germline): Likely pathogenic. Review status: criteria provided, multiple submitters, no conflicts (2 of 4 stars). 2 submissions from 2 submitters: Likely pathogenic (2). Last evaluated 2025-08-24.

Conditions:
Primary dilated cardiomyopathy (DCM). Also called: Dilated Cardiomyopathy. Identifiers: Orphanet 217604, MedGen C0007193, MeSH D002311, MONDO:0005021, HP:0001644. Inheritance: Various modes of inheritance.

Submissions (2):

GeneDx
Classification: Likely pathogenic. Last evaluated: 2025-08-24. Review status: criteria provided, single submitter. Criteria: GeneDx Variant Classification Process June 2021. Collection method: clinical testing. Allele origin: germline. Affected: yes.
Comment: Identified in a patient with DCM in published literature (PMID: 37652022); Canonical splice site variant predicted to result in an in-frame loss of the adjacent exon in a gene for which loss of function is a known mechanism of disease; Not observed at significant frequency in large population cohorts (gnomAD); Located in the A-band, a region of TTN for which truncating variants are significantly associated with autosomal dominant cardiomyopathy and also with autosomal recessive skeletal myopathies (PMID: 22335739, 32778822); This variant is associated with the following publications: (PMID: 37652022, 22335739, 32778822)

Laboratory for Molecular Medicine, Mass General Brigham Personalized Medicine
Classification: Likely pathogenic for Primary dilated cardiomyopathy. Last evaluated: 2015-08-13. Review status: criteria provided, single submitter. Criteria: LMM Criteria. Collection method: clinical testing. Allele origin: germline. Observed: 1 variant allele.
Comment: The c.92162-1G>A variant in TTN has not been previously reported in individuals with cardiomyopathy or in large population studies. This variant occurs in the i nvariant region (+/- 1,2) of the splice consensus sequence and is predicted to c ause altered splicing leading to an abnormal or absent protein. Splice and other truncating variants in TTN are strongly associated with DCM if they are located in the exons encoding for the A-band region (exons 201-306) of the protein (Her man 2012, Pugh 2014), where this variant is located. In summary, although additi onal studies are required to fully establish its clinical significance, the c.92 162-1G>A variant is likely pathogenic.

NM_001267550.2(TTN):c.99866-1G>A

Genes: TTN (titin; minus strand), TTN-AS1 (TTN antisense RNA 1; plus strand), LOC126806420 (BRD4-independent group 4 enhancer GRCh37_chr2:179401104-179402303; plus strand). Cytogenetic location: 2q31.2.
Variant type: single nucleotide variant.
Coding change: c.99866-1G>A on transcript NM_001267550.2 (MANE Select); the canonical splice acceptor site of the intron before coding-DNA position 99866, G replaced by A.
Molecular consequence: splice acceptor variant.
Genome position (GRCh38, 1-based): chr2:178,537,244, C>T on the plus strand (G>A on the coding strand, the complement: TTN is on the minus strand). VCF-style: chr2-178537244-C-T. GRCh37 (hg19) VCF-style: chr2-179401971-C-T.
Other names: c.72671-1G>A (NM_003319.4); c.73247-1G>A (NM_133437.4); c.73046-1G>A (NM_133432.3); c.92162-1G>A (NM_133378.4); c.94943-1G>A (NM_001256850.1).
Identifiers: ClinVar variation 228309 (VCV000228309.6), dbSNP rs876657672, ClinGen allele CA10576454.